The following is an entry in ClinVar:

ClinVar aggregate classification (germline): Benign (1 of 4 stars; one submission).

Conditions:
MELAS syndrome (MELAS). Also called: Juvenile myopathy, encephalopathy, lactic acidosis, stroke. Identifiers: Orphanet 550, MedGen C0162671, MONDO:0010789, OMIM 540000.

Submission:

Wong Mito Lab, Molecular and Human Genetics, Baylor College of Medicine
Classification: Benign for MELAS syndrome. Last evaluated: 2019-07-12. Review status: criteria provided, single submitter. Criteria: Modified ACMG Guidelines (Unpublished). Collection method: clinical testing. Allele origin: germline.
Comment: The NC_012920.1:m.12151A>G variant in MT-TH gene is interpreted to be a Benign variant based on the modified ACMG guidelines (unpublished). This variant meets the following evidence codes reported in the guidelines: BS1, BS2, BP4

Literature cited by the submitters: PubMed 31965079.

NC_012920.1(MT-TH):m.12151A>G

Gene: MT-TH (mitochondrially encoded tRNA histidine; plus strand).
Variant type: single nucleotide variant.
Genome position: chrM-12151-A-G.
Identifiers: ClinVar variation 690135 (VCV000690135.1), dbSNP rs1603223576, ClinGen allele CA913169509.